The following is an entry in ClinVar:

NM_080425.4(GNAS):c.1648G>A (p.Ala550Thr)

Gene: GNAS (GNAS complex locus; plus strand). Cytogenetic location: 20q13.32.
Variant type: single nucleotide variant.
Coding change: c.1648G>A on transcript NM_080425.4 (MANE Plus Clinical); coding-DNA position 1648, G replaced by A.
Protein change: p.Ala550Thr; replaces alanine 550 with threonine.
Molecular consequence: missense variant. On other transcripts: synonymous variant (2), intron variant (3).
Genome position (GRCh38, 1-based): chr20:58,854,913, G>A. VCF-style: chr20-58854913-G-A. GRCh37 (hg19) VCF-style: chr20-57429968-G-A.
Other names: c.1461G>A, p.Leu487= (NM_001077490.3, NM_001309883.1); c.1648G>A, p.Ala550Thr (NM_001410913.1); c.*42+14027G>A (NM_016592.5); c.43+14027G>A (NM_001410912.1); c.-39+13038G>A (NM_001309861.2); short protein forms A550T.
Identifiers: ClinVar variation 3353978 (VCV003353978.2).

ClinVar aggregate classification (germline): Uncertain significance (1 of 4 stars; one submission).

Conditions:
GNAS-related disorder. Identifiers: MedGen CN380105.

gnomAD v4.1: 30 of 1,598,032 alleles (0.0019%); highest among the groups gnomAD compares: Middle Eastern, 0.033%; no homozygotes.

Submission:

PreventionGenetics, part of Exact Sciences
Classification: Uncertain significance for GNAS-related condition. Last evaluated: 2026-07-13. Review status: criteria provided, single submitter. Criteria: ACMG Guidelines, 2015. Collection method: clinical testing. Allele origin: germline.
Comment: The GNAS c.1648G>A variant is predicted to result in the amino acid substitution p.Ala550Thr. This variant is also designated c.-36814G>A (pre-coding) using transcript NM_000516.5. To our knowledge, this variant has not been reported in the literature. This variant is reported in 0.0055% of alleles in individuals of European (non-Finnish) descent in gnomAD. At this time, the clinical significance of this variant is uncertain due to the absence of conclusive functional and genetic evidence.